The following is an entry in ClinVar:

NM_000157.4(GBA1):c.634T>A (p.Ser212Thr)

Genes: GBA1 (glucosylceramidase beta 1; minus strand), LOC106627981 (GBA recombination region; plus strand). Cytogenetic location: 1q22.
Variant type: single nucleotide variant.
Coding change: c.634T>A on transcript NM_000157.4 (MANE Select); coding-DNA position 634, T replaced by A.
Protein change: p.Ser212Thr; replaces serine 212 with threonine.
Molecular consequence: missense variant.
Genome position (GRCh38, 1-based): chr1:155,238,261, A>T on the plus strand (T>A on the coding strand, the complement: GBA1 is on the minus strand). VCF-style: chr1-155238261-A-T. GRCh37 (hg19) VCF-style: chr1-155208052-A-T.
Other names: c.634T>A, p.Ser212Thr (NM_001005741.3, NM_001005742.3); c.373T>A, p.Ser125Thr (NM_001171811.2); c.487T>A, p.Ser163Thr (NM_001171812.2); short protein forms S212T, S163T, S125T.
Identifiers: ClinVar variation 93456 (VCV000093456.7), dbSNP rs398123533, ClinGen allele CA221405.

ClinVar aggregate classification (germline): Uncertain significance. Review status: criteria provided, multiple submitters, no conflicts (2 of 4 stars). 3 submissions from 3 submitters: Uncertain significance (3). Last evaluated 2025-09-06.

Allele frequency attached by ClinVar (database versions not stated): gnomAD exomes below 0.00001; TOPMed 0.00001.
gnomAD v4.1: 3 of 1,609,490 alleles (0.00019%); highest among the groups gnomAD compares: Non-Finnish European, 0.00025%; no homozygotes.

Submissions (3):

Mayo Clinic Laboratories, Mayo Clinic
Classification: Uncertain significance. Last evaluated: 2025-09-06. Review status: criteria provided, single submitter. Criteria: ACMG Guidelines, 2015. Collection method: clinical testing. Allele origin: germline. Observed: 1 variant allele.

Laboratorio de Genetica e Diagnostico Molecular, Hospital Israelita Albert Einstein
Classification: Uncertain significance. Last evaluated: 2020-10-21. Review status: criteria provided, single submitter. Criteria: ACMG Guidelines, 2015. Collection method: clinical testing. Allele origin: germline. Affected: yes.
Comment: ACMG classification criteria: PM2

Eurofins Ntd Llc (ga)
Classification: Uncertain significance. Last evaluated: 2012-09-13. Review status: criteria provided, single submitter. Criteria: EGL Classification Definitions 2015. Collection method: clinical testing. Allele origin: germline. Observed: 4 variant alleles, 4 heterozygotes.